The following is an entry in ClinVar:

NM_001366385.1(CARD14):c.2648G>A (p.Arg883His)

Genes: SGSH (N-sulfoglucosamine sulfohydrolase; minus strand), CARD14 (caspase recruitment domain family member 14; plus strand), LOC126862662 (MED14-independent group 3 enhancer GRCh37_chr17:78178385-78179584; plus strand). Cytogenetic location: 17q25.3.
Variant type: single nucleotide variant.
Coding change: c.2648G>A on transcript NM_001366385.1 (MANE Select); coding-DNA position 2648, G replaced by A.
Protein change: p.Arg883His; replaces arginine 883 with histidine.
Molecular consequence: missense variant. On other transcripts: non-coding transcript variant (1).
Genome position (GRCh38, 1-based): chr17:80,205,609, G>A. VCF-style: chr17-80205609-G-A. GRCh37 (hg19) VCF-style: chr17-78179408-G-A.
Other names: p.Arg883His; c.2648G>A, p.Arg883His (NM_024110.4); short protein forms R883H.
Identifiers: ClinVar variation 458097 (VCV000458097.19), dbSNP rs2289541, ClinGen allele CA8817401.
Genomic context (GRCh38, chr17:80,205,609, plus strand): 5'-AGTATGAGGCCTGGAGCCAGAGAGGGGACATCATCCAGGAGGGAGAGGTGTCCGGGGGCC[G>A]CTGCTGGGTGACCCGCCATGCTGTGGAGTCCCTCATGGAAAAGGTGAGGTCAAGGGCGGG-3'
Protein context (NP_001353314.1, residues 873-893): IIQEGEVSGG[Arg883His]CWVTRHAVES

ClinVar aggregate classification (germline): Benign/Likely benign. Review status: criteria provided, multiple submitters, no conflicts (2 of 4 stars). 5 submissions from 5 submitters: Benign (4); Likely benign (1). Last evaluated 2026-02-02.

Conditions:
Autoinflammatory syndrome. Identifiers: Orphanet 93665, MedGen C3890737, MONDO:0019751.
Pityriasis rubra pilaris (PRP). Also called: Pityriasis rubra pilaris--familial type. Identifiers: Orphanet 2897, MedGen C0032027, MONDO:0100017, OMIM 173200, MONDO:0008251.
Psoriasis 2. Identifiers: MedGen C1864497, MONDO:0011269, OMIM 602723.

Allele frequency attached by ClinVar (database versions not stated): ESP Exome Variant Server 0.00108; gnomAD 0.00267 and 0.00375; TOPMed 0.00416; gnomAD exomes 0.00751; ExAC 0.01218; 1000 Genomes Project 30x 0.01983; 1000 Genomes Project 0.02097.
gnomAD v4.1: 4,877 of 1,566,766 alleles (0.31%); highest among the groups gnomAD compares: East Asian, 9.1%; 205 homozygotes.

Submissions (5):

Labcorp Genetics (formerly Invitae), Labcorp
Classification: Benign for Pityriasis rubra pilaris; Psoriasis 2. Last evaluated: 2026-02-02. Review status: criteria provided, single submitter. Criteria: Invitae Variant Classification Sherloc (09022015). Collection method: clinical testing. Allele origin: germline.

Women's Health and Genetics/Laboratory Corporation of America, LabCorp
Classification: Likely benign. Last evaluated: 2026-01-22. Review status: criteria provided, single submitter. Criteria: LabCorp Variant Classification Summary - May 2015. Collection method: clinical testing. Allele origin: germline.

Genome Diagnostics Laboratory, The Hospital for Sick Children
Classification: Benign for Autoinflammatory syndrome. Last evaluated: 2022-03-11. Review status: criteria provided, single submitter. Criteria: ACMG Guidelines, 2015. Collection method: clinical testing. Allele origin: germline. Affected: yes.

Mayo Clinic Laboratories, Mayo Clinic
Classification: Benign. Last evaluated: 2021-11-20. Review status: criteria provided, single submitter. Criteria: ACMG Guidelines, 2015. Collection method: clinical testing. Allele origin: germline. Observed: 4 variant alleles.
Comment: BA1, BS2, BP4

GeneDx
Classification: Benign. Last evaluated: 2018-07-09. Review status: criteria provided, single submitter. Criteria: GeneDx Variant Classification Process June 2021. Collection method: clinical testing. Allele origin: germline. Affected: yes.
Comment: This variant is associated with the following publications: (PMID: 32199921)